The following is an entry in ClinVar:

NM_007194.4(CHEK2):c.593-2A>C

Gene: CHEK2 (checkpoint kinase 2; minus strand). Cytogenetic location: 22q12.1.
Variant type: single nucleotide variant.
Coding change: c.593-2A>C on transcript NM_007194.4 (MANE Select); the canonical splice acceptor site of the intron before coding-DNA position 593, A replaced by C.
Molecular consequence: splice acceptor variant. On other transcripts: intron variant (1).
Genome position (GRCh38, 1-based): chr22:28,719,487, T>G on the plus strand (A>C on the coding strand, the complement: CHEK2 is on the minus strand). VCF-style: chr22-28719487-T-G. GRCh37 (hg19) VCF-style: chr22-29115475-T-G.
Other names: c.-71-2A>C (NM_001437942.1, NM_001257387.3); c.482+5399A>C (NM_001349956.3); c.593-2A>C (NM_145862.3); c.686-2A>C (NM_001438295.1, NM_001438293.1); c.722-2A>C (NM_001438294.1, NM_001005735.3).
Identifiers: ClinVar variation 2982425 (VCV002982425.4), dbSNP rs2146007633, ClinGen allele CA411105162.

ClinVar aggregate classification (germline): Likely pathogenic. Review status: criteria provided, multiple submitters, no conflicts (2 of 4 stars). 2 submissions from 2 submitters: Likely pathogenic (2). Last evaluated 2024-05-06.

Conditions:
Familial cancer of breast. Also called: BREAST CANCER, FAMILIAL; Hereditary breast cancer; hereditary breast carcinoma. Identifiers: Orphanet 227535, MedGen C0346153, MONDO:0016419, OMIM 114480. Disease mechanism: loss of function.
CHEK2-related cancer predisposition (TPDS4). Also called: TUMOR PREDISPOSITION SYNDROME 4; CANCER PREDISPOSITION SYNDROME, CHEK2-RELATED; CHEK2-related cancer susceptibility. Identifiers: Orphanet 524, MedGen C5882668, MONDO:0700271, OMIM 609265.
Familial prostate cancer. Also called: Hereditary Prostate Cancer. Identifiers: MedGen C2931456, MONDO:0700275, OMIM 176807.
Bone osteosarcoma. Also called: Osteosarcoma, somatic. Identifiers: Orphanet 668, MedGen C0585442, MONDO:0002629, OMIM 259500.

Submissions (2):

Fulgent Genetics
Classification: Likely pathogenic for Familial prostate cancer; Bone osteosarcoma; CHEK2-related cancer predisposition. Last evaluated: 2024-05-06. Review status: criteria provided, single submitter. Criteria: ACMG Guidelines, 2015. Collection method: clinical testing. Allele origin: germline.

Labcorp Genetics (formerly Invitae), Labcorp
Classification: Likely pathogenic for Familial cancer of breast. Last evaluated: 2023-09-20. Review status: criteria provided, single submitter. Criteria: Invitae Variant Classification Sherloc (09022015). Collection method: clinical testing. Allele origin: germline.
Comment: This variant is not present in population databases (gnomAD no frequency). In summary, the currently available evidence indicates that the variant is pathogenic, but additional data are needed to prove that conclusively. Therefore, this variant has been classified as Likely Pathogenic. RNA analysis provides insufficient evidence to determine the effect of this variant on CHEK2 splicing (Invitae). Disruption of this splice site has been observed in individual(s) with prostate cancer (PMID: 31214711). This sequence change affects an acceptor splice site in intron 4 of the CHEK2 gene. It is expected to disrupt RNA splicing. Variants that disrupt the donor or acceptor splice site typically lead to a loss of protein function (PMID: 16199547), and loss-of-function variants in CHEK2 are known to be pathogenic (PMID: 21876083, 24713400).

Literature cited by the submitters: PubMed 31214711 (cited by Labcorp Genetics (formerly Invitae), Labcorp); PubMed 16199547 (cited by Labcorp Genetics (formerly Invitae), Labcorp); PubMed 21876083 (cited by Labcorp Genetics (formerly Invitae), Labcorp); PubMed 24713400 (cited by Labcorp Genetics (formerly Invitae), Labcorp).